The following is an entry in ClinVar:

NM_000334.4(SCN4A):c.4916G>A (p.Arg1639His)

Genes: GH-LCR (growth hormone locus control region; plus strand), SCN4A (sodium voltage-gated channel alpha subunit 4; minus strand). Cytogenetic location: 17q23.3.
Variant type: single nucleotide variant.
Coding change: c.4916G>A on transcript NM_000334.4 (MANE Select); coding-DNA position 4916, G replaced by A.
Protein change: p.Arg1639His; replaces arginine 1639 with histidine.
Molecular consequence: missense variant.
Genome position (GRCh38, 1-based): chr17:63,941,366, C>T on the plus strand (G>A on the coding strand, the complement: SCN4A is on the minus strand). VCF-style: chr17-63941366-C-T. GRCh37 (hg19) VCF-style: chr17-62018726-C-T.
Other names: short protein forms R1639H.
Identifiers: ClinVar variation 660181 (VCV000660181.13), dbSNP rs368186423, ClinGen allele CA8708874.

ClinVar aggregate classification (germline): Conflicting classifications of pathogenicity. Review status: criteria provided, conflicting classifications (1 of 4 stars). 4 submissions from 4 submitters: Uncertain significance (3); Likely benign (1). Last evaluated 2025-06-12.

Conditions:
Potassium-aggravated myotonia. Also called: MYOTONIA CONGENITA, ACETAZOLAMIDE-RESPONSIVE; MYOTONIA CONGENITA, ATYPICAL; SODIUM CHANNEL MUSCLE DISEASE; Myotonia congenita, atypical, acetazolamide-responsive. Identifiers: Orphanet 612, Orphanet 99734, Orphanet 99735, Orphanet 99736, MedGen C2931826, MONDO:0018959, OMIM 608390.
Hypokalemic periodic paralysis, type 2 (HOKPP2). Identifiers: Orphanet 681, MedGen C2750061, MONDO:0013234, OMIM 613345.
Paramyotonia congenita of Von Eulenburg. Also called: PARALYSIS PERIODICA PARAMYOTONICA; Paramyotonia Congenita; Eulenburg disease; Myotonia congenita intermittens; Von Eulenburg paramyotonia congenita. Identifiers: Orphanet 684, MedGen C0221055, MONDO:0008195, OMIM 168300. Disease mechanism: loss of function.
Hyperkalemic periodic paralysis. Also called: Familial hyperkalemic periodic paralysis; Gamstorp disease. Identifiers: Orphanet 682, MedGen C0238357, MONDO:0008224, OMIM 170500, HP:0007215.
Hypokalemic periodic paralysis, type 1. Also called: Hypokalemic Periodic Paralysis Type 1 (AD); HypoPP. Identifiers: Orphanet 681, MedGen C3714580, MONDO:0042979, OMIM 170400.
Congenital myasthenic syndrome 16. Identifiers: Orphanet 590, MedGen C3280112, MONDO:0013620, OMIM 614198.

Allele frequency attached by ClinVar (database versions not stated): gnomAD 0.00005 and 0.00006; ESP Exome Variant Server 0.00008; TOPMed 0.00008; gnomAD exomes 0.00008; ExAC 0.00008; 1000 Genomes Project 0.00020; 1000 Genomes Project 30x 0.00031.

Submissions (4):

Labcorp Genetics (formerly Invitae), Labcorp
Classification: Uncertain significance for Hyperkalemic periodic paralysis. Last evaluated: 2025-06-12. Review status: criteria provided, single submitter. Criteria: Invitae Variant Classification Sherloc (09022015). Collection method: clinical testing. Allele origin: germline.
Comment: This sequence change replaces arginine, which is basic and polar, with histidine, which is basic and polar, at codon 1639 of the SCN4A protein (p.Arg1639His). This variant is present in population databases (rs368186423, gnomAD 0.03%). This missense change has been observed in individual(s) with clinical features of SCN4A-related conditions (PMID: 32798841, 35866763, 36116128). ClinVar contains an entry for this variant (Variation ID: 660181). Invitae Evidence Modeling of protein sequence and biophysical properties (such as structural, functional, and spatial information, amino acid conservation, physicochemical variation, residue mobility, and thermodynamic stability) indicates that this missense variant is not expected to disrupt SCN4A protein function with a negative predictive value of 95%. Experimental studies have shown that this missense change does not substantially affect SCN4A function (PMID: 36116128). In summary, the available evidence is currently insufficient to determine the role of this variant in disease. Therefore, it has been classified as a Variant of Uncertain Significance.

Athena Diagnostics
Classification: Likely benign. Last evaluated: 2024-01-02. Review status: criteria provided, single submitter. Criteria: Athena Diagnostics Criteria. Collection method: clinical testing. Allele origin: unknown.

Revvity Omics, Revvity
Classification: Uncertain significance. Last evaluated: 2022-09-27. Review status: criteria provided, single submitter. Criteria: ACMG Guidelines, 2015. Collection method: clinical testing. Allele origin: germline.

Fulgent Genetics
Classification: Uncertain significance for Paramyotonia congenita of Von Eulenburg; Hypokalemic periodic paralysis, type 1; Hyperkalemic periodic paralysis; Potassium-aggravated myotonia; Hypokalemic periodic paralysis, type 2; Congenital myasthenic syndrome 16. Last evaluated: 2022-03-15. Review status: criteria provided, single submitter. Criteria: ACMG Guidelines, 2015. Collection method: clinical testing. Allele origin: unknown.

Literature cited by the submitters: PubMed 32798841 (cited by Labcorp Genetics (formerly Invitae), Labcorp and Athena Diagnostics); PubMed 35866763 (cited by Labcorp Genetics (formerly Invitae), Labcorp and Athena Diagnostics); PubMed 36116128 (cited by Labcorp Genetics (formerly Invitae), Labcorp and Athena Diagnostics).